The following is an entry in ClinVar:

NM_018406.7(MUC4):c.11784G>A (p.Ser3928=)

Gene: MUC4 (mucin 4, cell surface associated). Cytogenetic location: 3q29.
Variant type: single nucleotide variant.
Coding change: c.11784G>A on transcript NM_018406.7 (MANE Select); coding-DNA position 11784, G replaced by A.
Protein change: p.Ser3928=; no amino-acid change (serine 3928 retained).
Molecular consequence: synonymous variant. On other transcripts: intron variant (2).
Genome position (GRCh38, 1-based): chr3:195,779,796, C>T on the plus strand (G>A on the coding strand, the complement: MUC4 is on the minus strand). VCF-style: chr3-195779796-C-T. GRCh37 (hg19) VCF-style: chr3-195506667-C-T.
Other names: c.83-5491G>A (NM_138297.5); c.83-1341G>A (NM_004532.6).
Identifiers: ClinVar variation 3898114 (VCV003898114.7).

ClinVar aggregate classification (germline): Likely benign (1 of 4 stars; one submission).

Submission:

CeGaT Center for Human Genetics Tuebingen
Classification: Likely benign. Last evaluated: 2026-01-01. Review status: criteria provided, single submitter. Criteria: CeGaT Center For Human Genetics Tuebingen Variant Classification Criteria Version 2. Collection method: clinical testing. Allele origin: germline. Affected: yes. Observed: 3 variant alleles.
Comment: MUC4: BP4, BS2